The following is an entry in ClinVar:

ClinVar aggregate classification (germline): Uncertain significance. Review status: criteria provided, multiple submitters, no conflicts (2 of 4 stars). 2 submissions from 2 submitters: Uncertain significance (2). Last evaluated 2024-10-24.

Conditions:
Congenital diaphragmatic hernia. Also called: DIH; Congenital diaphragmatic defect; Unilateral agenesis of diaphragm; Agenesis of hemidiaphragm. Identifiers: Orphanet 2140, MedGen C0235833, MeSH D065630, MONDO:0005711, HP:0000776.

Allele frequency attached by ClinVar (database versions not stated): gnomAD 0.00001; gnomAD exomes 0.00001 and 0.00004; TOPMed 0.00001; ExAC 0.00004.
gnomAD v4.1: 19 of 1,612,424 alleles (0.0012%); highest among the groups gnomAD compares: Admixed American, 0.022%; no homozygotes.

Submissions (2):

Labcorp Genetics (formerly Invitae), Labcorp
Classification: Uncertain significance. Last evaluated: 2024-10-24. Review status: criteria provided, single submitter. Criteria: Invitae Variant Classification Sherloc (09022015). Collection method: clinical testing. Allele origin: germline.
Comment: This sequence change replaces isoleucine, which is neutral and non-polar, with valine, which is neutral and non-polar, at codon 296 of the FGFRL1 protein (p.Ile296Val). This variant is present in population databases (rs753437773, gnomAD 0.03%). This missense change has been observed in individual(s) with clinical features of FGFRL1-related conditions (PMID: 33443296). ClinVar contains an entry for this variant (Variation ID: 992572). An algorithm developed to predict the effect of missense changes on protein structure and function (PolyPhen-2) suggests that this variant is likely to be disruptive. In summary, the available evidence is currently insufficient to determine the role of this variant in disease. Therefore, it has been classified as a Variant of Uncertain Significance.

Daryl Scott Lab, Baylor College of Medicine
Classification: Uncertain significance for Congenital diaphragmatic hernia. Last evaluated: 2020-12-16. Review status: criteria provided, single submitter. Criteria: ACMG Guidelines, 2015. Collection method: clinical testing. Allele origin: paternal. Inheritance: Autosomal recessive inheritance. Affected: yes. Observed: 1 compound heterozygote.
Comment: All variants described in this paper are based on transcript NM_001004356.2.

Literature cited by the submitters: PubMed 33443296 (cited by Labcorp Genetics (formerly Invitae), Labcorp).

NM_001004356.3(FGFRL1):c.886A>G (p.Ile296Val)

Gene: FGFRL1 (fibroblast growth factor receptor like 1; plus strand). Cytogenetic location: 4p16.3.
Variant type: single nucleotide variant.
Coding change: c.886A>G on transcript NM_001004356.3 (MANE Select); coding-DNA position 886, A replaced by G.
Protein change: p.Ile296Val; replaces isoleucine 296 with valine.
Molecular consequence: missense variant.
Genome position (GRCh38, 1-based): chr4:1,024,478, A>G. VCF-style: chr4-1024478-A-G. GRCh37 (hg19) VCF-style: chr4-1018266-A-G.
Other names: c.886A>G, p.Ile296Val (NM_001004358.1, NM_001370296.1, NM_021923.3); short protein forms I296V.
Identifiers: ClinVar variation 992572 (VCV000992572.6), dbSNP rs753437773, ClinGen allele CA2802899.
Genomic context (GRCh38, chr4:1,024,478, plus strand): 5'-CCGGTGATCCAGTGGCTGAAGCGCGTGGAGTACGGCGCCGAGGGCCGCCACAACTCCACC[A>G]TCGATGTGGGCGGCCAGAAGTTTGTGGTGCTGCCCACGGGTGACGTGTGGTCGCGGCCCG-3'
Protein context (NP_001004356.1, residues 286-306): YGAEGRHNST[Ile296Val]DVGGQKFVVL